The following is an entry in ClinVar:

NM_177438.3(DICER1):c.3019C>T (p.Gln1007Ter)

Gene: DICER1 (dicer 1, ribonuclease III; minus strand). Cytogenetic location: 14q32.13.
Variant type: single nucleotide variant.
Coding change: c.3019C>T on transcript NM_177438.3 (MANE Select); coding-DNA position 3019, C replaced by T.
Protein change: p.Gln1007Ter; replaces glutamine 1007 with a stop codon.
Molecular consequence: nonsense.
Genome position (GRCh38, 1-based): chr14:95,105,752, G>A on the plus strand (C>T on the coding strand, the complement: DICER1 is on the minus strand). VCF-style: chr14-95105752-G-A. GRCh37 (hg19) VCF-style: chr14-95572089-G-A.
Other names: NM_177438.2(DICER1):c.3019C>T; p.Gln1007Ter; c.3019C>T, p.Gln1007Ter (NM_001195573.1, NM_001271282.3, NM_001291628.2 and 1 more transcripts); short protein forms Q1007*.
Identifiers: ClinVar variation 429113 (VCV000429113.9), dbSNP rs1131691189, ClinGen allele CA390878423.

ClinVar aggregate classification (germline): Pathogenic. Review status: reviewed by expert panel (3 of 4 stars). 4 submissions from 4 submitters: Pathogenic (1). 3 of the submissions do not count toward it. Last evaluated 2022-05-18.

Conditions:
DICER1-related tumor predisposition. Also called: DICER1-related pleuropulmonary blastoma cancer predisposition syndrome; DICER1 syndrome. Identifiers: Orphanet 284343, MedGen C3839822, MONDO:0100216.
Hereditary cancer-predisposing syndrome. Also called: Hereditary neoplastic syndrome; Tumor predisposition; Neoplastic Syndromes, Hereditary; Hereditary Cancer Syndrome. Identifiers: Orphanet 140162, MedGen C0027672, MeSH D009386, MONDO:0015356.

Submissions (4):

ClinGen DICER1 and miRNA-Processing Gene Variant Curation Expert Panel, ClinGen
Classification: Pathogenic for DICER1-related tumor predisposition. Last evaluated: 2022-05-18. Review status: reviewed by expert panel. Criteria: ClinGen DICER1 ACMG Specifications DICER1 v1. Collection method: curation. Allele origin: germline. Inheritance: Autosomal dominant inheritance.
Comment: The NM_177438.2:c.3019C>T (p.Gln1007Ter) variant in DICER1 is a nonsense variant predicted to cause a premature stop codon in biologically-relevant-exon 19/27 leading to nonsense mediated decay in a gene in which loss-of-function is an established disease mechanism (PVS1). This variant received a total of 1 phenotype point across 1 proband meeting DICER1 VCEP phenotype specificity scoring criteria (PS4_Supporting; PMID: 30178239, 28323992, 25118636, NCI). In addition, at least one patient with this variant was found to have a somatic second hit in a recognized DICER1 hotspot codon on tumor sequencing, which is highly specific for DICER1 syndrome (PP4, PMID: 28323992). This variant is absent from gnomAD v2.1.1 and v3.1.1 (non-cancer) (PM2_Supporting). In summary, this variant meets the criteria to be classified as pathogenic for DICER1 syndrome based on the ACMG/AMP criteria applied, as specified by the ClinGen DICER1 VCEP: PVS1, PS4_Supporting, PP4, PM2_Supporting. (Bayesian Points: 11; VCEP specifications version 1; 02/11/2022).

Foulkes Cancer Genetics LDI, Lady Davis Institute for Medical Research
Classification: Pathogenic for Pleuropulmonary blastoma. Last evaluated: 2019-07-01. Review status: criteria provided, single submitter. Criteria: ACMG Guidelines, 2015. Collection method: curation. Allele origin: germline. Affected: yes. Observed: 3 variant alleles. Not counted in ClinVar's aggregate classification.
Comment: ACMG criteria met: PVS1, PM2, PP4

GeneDx
Classification: Pathogenic. Last evaluated: 2017-08-23. Review status: criteria provided, single submitter. Criteria: GeneDx Variant Classification (06012015). Collection method: clinical testing. Allele origin: germline. Affected: yes. Not counted in ClinVar's aggregate classification.
Comment: This variant is denoted DICER1 c.3019C>T at the cDNA level and p.Gln1007Ter (Q1007X) at theprotein level. The substitution creates a nonsense variant, which changes a Glutamine to a premature stop codon(CAG>TAG), and is predicted to cause loss of normal protein function through either protein truncation or nonsense-mediated mRNA decay. This variant has been reported in at least one individual with DICER1-PleuropulmonaryBlastoma Familial Tumor Predisposition Syndrome (Stewart 2014). We consider this variant to be pathogenic.

Ambry Genetics
Classification: Pathogenic for Hereditary cancer-predisposing syndrome. Last evaluated: 2012-05-02. Review status: criteria provided, single submitter. Criteria: Ambry Autosomal Dominant and X-Linked criteria (10/2015). Collection method: clinical testing. Allele origin: germline. Observed: 1 variant allele. Not counted in ClinVar's aggregate classification.
Comment: This alteration is expected to result in loss of function by premature protein truncation or nonsense-mediatedâ€¯mRNAâ€¯decay.â€¯As such, this alteration is interpreted as a disease-causing mutation.

Literature cited by the submitters: PubMed 25118636 (cited by Foulkes Cancer Genetics LDI, Lady Davis Institute for Medical Research); PubMed 28323992 (cited by Foulkes Cancer Genetics LDI, Lady Davis Institute for Medical Research); PubMed 30178239 (cited by Foulkes Cancer Genetics LDI, Lady Davis Institute for Medical Research).